The following is an entry in ClinVar:

ClinVar aggregate classification (germline): Uncertain significance. Review status: criteria provided, multiple submitters, no conflicts (2 of 4 stars). 2 submissions from 2 submitters: Uncertain significance (2). Last evaluated 2025-06-02.

Conditions:
Inborn genetic diseases. Identifiers: MedGen C0950123, MeSH D030342.

Allele frequency attached by ClinVar (database versions not stated): ExAC 0.00001; gnomAD exomes 0.00002; gnomAD 0.00003; TOPMed 0.00004; ESP Exome Variant Server 0.00016.
gnomAD v4.1: 31 of 1,613,382 alleles (0.0019%); highest among the groups gnomAD compares: African/African-American, 0.0027%; no homozygotes.

Submissions (2):

Labcorp Genetics (formerly Invitae), Labcorp
Classification: Uncertain significance. Last evaluated: 2025-06-02. Review status: criteria provided, single submitter. Criteria: Invitae Variant Classification Sherloc (09022015). Collection method: clinical testing. Allele origin: germline.
Comment: This sequence change replaces serine, which is neutral and polar, with glycine, which is neutral and non-polar, at codon 793 of the FREM1 protein (p.Ser793Gly). This variant is present in population databases (rs370481525, gnomAD 0.008%). This variant has not been reported in the literature in individuals affected with FREM1-related conditions. ClinVar contains an entry for this variant (Variation ID: 1903162). Invitae Evidence Modeling of protein sequence and biophysical properties (such as structural, functional, and spatial information, amino acid conservation, physicochemical variation, residue mobility, and thermodynamic stability) indicates that this missense variant is expected to disrupt FREM1 protein function with a positive predictive value of 80%. In summary, the available evidence is currently insufficient to determine the role of this variant in disease. Therefore, it has been classified as a Variant of Uncertain Significance.

Ambry Genetics
Classification: Uncertain significance for Inborn genetic diseases. Last evaluated: 2025-05-14. Review status: criteria provided, single submitter. Criteria: Ambry Variant Classification Scheme 2023. Collection method: clinical testing. Allele origin: germline.

NM_001379081.2(FREM1):c.2377A>G (p.Ser793Gly)

Gene: FREM1 (FRAS1 related extracellular matrix 1; minus strand). Cytogenetic location: 9p22.3.
Variant type: single nucleotide variant.
Coding change: c.2377A>G on transcript NM_001379081.2 (MANE Select); coding-DNA position 2377, A replaced by G.
Protein change: p.Ser793Gly; replaces serine 793 with glycine.
Molecular consequence: missense variant. On other transcripts: non-coding transcript variant (2).
Genome position (GRCh38, 1-based): chr9:14,819,403, T>C on the plus strand (A>G on the coding strand, the complement: FREM1 is on the minus strand). VCF-style: chr9-14819403-T-C. GRCh37 (hg19) VCF-style: chr9-14819401-T-C.
Other names: c.2377A>G, p.Ser793Gly (NM_144966.7); c.2377A>G (NM_144966.5); short protein forms S793G.
Identifiers: ClinVar variation 1903162 (VCV001903162.6), dbSNP rs370481525, ClinGen allele CA4990935.